The following is an entry in ClinVar:

ClinVar aggregate classification (germline): Benign. Review status: reviewed by expert panel (3 of 4 stars). 6 submissions from 6 submitters: Benign (1). 5 of the submissions do not count toward it. Last evaluated 2013-09-05.

Conditions:
Lynch syndrome. Identifiers: Orphanet 144, MedGen C4552100, MONDO:0005835. Disease mechanism: loss of function.
Lynch syndrome 5 (LYNCH5). Also called: Colorectal cancer, hereditary nonpolyposis, type 5; Hereditary non-polyposis colorectal cancer, type 5. Identifiers: Orphanet 144, MedGen C1833477, MONDO:0013710, OMIM 614350. Disease mechanism: loss of function.

Allele frequency attached by ClinVar (database versions not stated): gnomAD 0.03614 and 0.03560; gnomAD exomes 0.03726 and 0.05224; ExAC 0.03731; ESP Exome Variant Server 0.03921; 1000 Genomes Project 30x 0.02155; 1000 Genomes Project 0.02196; TOPMed 0.03517.
gnomAD v4.1: 80,712 of 1,605,144 alleles (5%); highest among the groups gnomAD compares: Non-Finnish European, 6%; 2,371 homozygotes.

Submissions (6):

International Society for Gastrointestinal Hereditary Tumours (InSiGHT)
Classification: Benign for Lynch Syndrome. Last evaluated: 2013-09-05. Review status: reviewed by expert panel. Criteria: Guidelines v1.9. Collection method: research. Allele origin: germline.
Comment: MAF >1%

Classified with v1.9 guidelines
ClinVar note: Converted during submission from no known pathogenicity to Benign.

Center for Genomic Medicine, Rigshospitalet, Copenhagen University Hospital
Classification: Benign. Last evaluated: 2025-03-04. Review status: criteria provided, single submitter. Criteria: ACMG Guidelines, 2015. Collection method: clinical testing. Allele origin: germline. Not counted in ClinVar's aggregate classification.

KCCC/NGS Laboratory, Kuwait Cancer Control Center
Classification: Benign for Lynch syndrome 5. Last evaluated: 2023-07-07. Review status: criteria provided, single submitter. Criteria: ACMG Guidelines, 2015. Collection method: clinical testing. Allele origin: germline. Affected: yes. Not counted in ClinVar's aggregate classification.

ARUP Laboratories, Molecular Genetics and Genomics, ARUP Laboratories
Classification: Benign. Last evaluated: 2018-07-19. Review status: criteria provided, single submitter. Criteria: ARUP Molecular Germline Variant Investigation Process. Collection method: clinical testing. Allele origin: germline. Not counted in ClinVar's aggregate classification.

GeneDx
Classification: Benign. Last evaluated: 2015-03-03. Review status: criteria provided, single submitter. Criteria: GeneDx Variant Classification Process June 2021. Collection method: clinical testing. Allele origin: germline. Affected: yes. Not counted in ClinVar's aggregate classification.

Breakthrough Genomics
Classification: Benign. Review status: criteria provided, single submitter. Criteria: ACMG Guidelines, 2015. Collection method: not provided. Allele origin: germline. Inheritance: Autosomal recessive inheritance. Affected: yes. Not counted in ClinVar's aggregate classification.

NM_000179.3(MSH6):c.261-36A>G

Gene: MSH6 (mutS homolog 6; plus strand). Cytogenetic location: 2p16.3.
Variant type: single nucleotide variant.
Coding change: c.261-36A>G on transcript NM_000179.3 (MANE Select); 36 bases into the intron before coding-DNA position 261, A replaced by G.
Molecular consequence: intron variant.
Genome position (GRCh38, 1-based): chr2:47,790,891, A>G. VCF-style: chr2-47790891-A-G. GRCh37 (hg19) VCF-style: chr2-48018030-A-G.
Other names: c.-476-36A>G (NM_001281493.2); c.237+7421A>G (NM_001281492.2); c.-642-36A>G (NM_001281494.2).
Identifiers: ClinVar variation 89301 (VCV000089301.21), dbSNP rs1800931, ClinGen allele CA010598.